The following is an entry in ClinVar:

ClinVar aggregate classification (germline): Uncertain significance. Review status: criteria provided, multiple submitters, no conflicts (2 of 4 stars). 2 submissions from 2 submitters: Uncertain significance (2). Last evaluated 2025-06-18.

gnomAD v4.1: 22 of 1,614,038 alleles (0.0014%); highest among the groups gnomAD compares: African/African-American, 0.0027%; no homozygotes.

Submissions (2):

Ambry Genetics
Classification: Uncertain significance. Last evaluated: 2025-06-18. Review status: criteria provided, single submitter. Criteria: Ambry Variant Classification Scheme 2023. Collection method: clinical testing. Allele origin: germline.

Labcorp Genetics (formerly Invitae), Labcorp
Classification: Uncertain significance. Last evaluated: 2024-03-13. Review status: criteria provided, single submitter. Criteria: Invitae Variant Classification Sherloc (09022015). Collection method: clinical testing. Allele origin: germline.
Comment: This sequence change replaces proline, which is neutral and non-polar, with leucine, which is neutral and non-polar, at codon 884 of the ATP2B2 protein (p.Pro884Leu). This variant is present in population databases (rs760294184, gnomAD 0.004%). This variant has not been reported in the literature in individuals affected with ATP2B2-related conditions. Advanced modeling of protein sequence and biophysical properties (such as structural, functional, and spatial information, amino acid conservation, physicochemical variation, residue mobility, and thermodynamic stability) performed at Invitae indicates that this missense variant is not expected to disrupt ATP2B2 protein function with a negative predictive value of 80%. In summary, the available evidence is currently insufficient to determine the role of this variant in disease. Therefore, it has been classified as a Variant of Uncertain Significance.

NM_001001331.4(ATP2B2):c.2786C>T (p.Pro929Leu)

Gene: ATP2B2 (ATPase plasma membrane Ca2+ transporting 2; minus strand). Cytogenetic location: 3p25.3.
Variant type: single nucleotide variant.
Coding change: c.2786C>T on transcript NM_001001331.4 (MANE Select); coding-DNA position 2786, C replaced by T.
Protein change: p.Pro929Leu; replaces proline 929 with leucine.
Molecular consequence: missense variant.
Genome position (GRCh38, 1-based): chr3:10,342,883, G>A on the plus strand (C>T on the coding strand, the complement: ATP2B2 is on the minus strand). VCF-style: chr3-10342883-G-A. GRCh37 (hg19) VCF-style: chr3-10384567-G-A.
Other names: c.2651C>T, p.Pro884Leu (NM_001330611.3, NM_001353564.1, NM_001363862.1 and 1 more transcripts); c.2651C>T (NM_001683.3); short protein forms P929L, P884L.
Identifiers: ClinVar variation 3713830 (VCV003713830.3).
Genomic context (GRCh38, chr3:10,342,883, plus strand): 5'-CTGGAGATGAGCGGCTTGTTGCGGCCGTACGGCTTCCTCAGCAGCAGGGTCTCCGTGGGC[G>A]GCTCAGTGGCCAGTGCCAGCGAGGCAAACGTGTCCATGATGAGGTTCACCCAGAGCATCT-3'
Protein context (NP_001001331.1, residues 919-939): TFASLALATE[Pro929Leu]PTETLLLRKP